The following is an entry in ClinVar:

ClinVar aggregate classification (germline): Pathogenic (1 of 4 stars; one submission).

Conditions:
Mucopolysaccharidosis, MPS-IV-A (MPS4A). Also called: MPS IVA; GALACTOSAMINE-6-SULFATASE DEFICIENCY; GALNS DEFICIENCY; MORQUIO A DISEASE; Morquio syndrome A, mild; MORQUIO SYNDROME A. Identifiers: Orphanet 309297, Orphanet 582, MedGen C0086651, MONDO:0009659, OMIM 253000.

Allele frequency attached by ClinVar (database versions not stated): gnomAD exomes 0.00001; ExAC 0.00018.
gnomAD v4.1: 2 of 1,507,292 alleles (0.00013%); highest among the groups gnomAD compares: South Asian, 0.0025%; no homozygotes.

Submission:

Labcorp Genetics (formerly Invitae), Labcorp
Classification: Pathogenic for Mucopolysaccharidosis, MPS-IV-A. Last evaluated: 2024-02-12. Review status: criteria provided, single submitter. Criteria: Invitae Variant Classification Sherloc (09022015). Collection method: clinical testing. Allele origin: germline.
Comment: This sequence change affects the initiator methionine of the GALNS mRNA. The next in-frame methionine is located at codon 22. This variant is present in population databases (rs771531650, gnomAD 0.005%). Disruption of the initiator codon has been observed in individual(s) with mucopolysaccharidosis IVA (PMID: 15241807). ClinVar contains an entry for this variant (Variation ID: 1453466). Studies have shown that disruption of the initiator codon alters GALNS gene expression (PMID: 15241807). For these reasons, this variant has been classified as Pathogenic.

Literature cited by the submitters: PubMed 15241807.

NM_000512.5(GALNS):c.1A>T (p.Met1Leu)

Genes: GALNS (galactosamine (N-acetyl)-6-sulfatase; minus strand), TRAPPC2L (trafficking protein particle complex subunit 2L; plus strand), LOC130059762 (ATAC-STARR-seq lymphoblastoid silent region 7883; plus strand). Cytogenetic location: 16q24.3.
Variant type: single nucleotide variant.
Coding change: c.1A>T on transcript NM_000512.5 (MANE Select); coding-DNA position 1, A replaced by T.
Protein change: p.Met1Leu; changes the start codon (methionine 1).
Molecular consequence: missense variant, initiator codon variant. On other transcripts: 5 prime UTR variant (2).
Genome position (GRCh38, 1-based): chr16:88,856,877, T>A on the plus strand (A>T on the coding strand, the complement: GALNS is on the minus strand). VCF-style: chr16-88856877-T-A. GRCh37 (hg19) VCF-style: chr16-88923285-T-A.
Other names: c.-431A>T (NM_001323543.2); c.-152A>T (NM_001323544.2); short protein forms M1L.
Identifiers: ClinVar variation 1453466 (VCV001453466.7), dbSNP rs771531650, ClinGen allele CA8235420.